The following is an entry in ClinVar:

NM_015450.3(POT1):c.9+5G>T

Gene: POT1 (protection of telomeres 1; minus strand). Cytogenetic location: 7q31.33.
Variant type: single nucleotide variant.
Coding change: c.9+5G>T on transcript NM_015450.3 (MANE Select); 5 bases into the intron after coding-DNA position 9, G replaced by T.
Molecular consequence: intron variant.
Genome position (GRCh38, 1-based): chr7:124,897,160, C>A on the plus strand (G>T on the coding strand, the complement: POT1 is on the minus strand). VCF-style: chr7-124897160-C-A. GRCh37 (hg19) VCF-style: chr7-124537214-C-A.
Other names: c.-254+5G>T (NM_001042594.2).
Identifiers: ClinVar variation 2719745 (VCV002719745.3), dbSNP rs2485575103, ClinGen allele CA2684723223.

ClinVar aggregate classification (germline): Uncertain significance (1 of 4 stars; one submission).

Conditions:
Tumor predisposition syndrome 3 (TPDS3). Also called: Glioma susceptibility 9; Melanoma, cutaneous malignant, susceptibility to, 10; LONG TELOMERE SYNDROME, POT1-RELATED; POT1 Tumor Predisposition. Identifiers: Orphanet 618, MedGen C4014476, MONDO:0014368, OMIM 615848.

Allele frequency attached by ClinVar (database versions not stated): gnomAD exomes below 0.00001.
gnomAD v4.1: 1 of 1,449,930 alleles (0.000069%); highest among the groups gnomAD compares: East Asian, 0.0023%; no homozygotes.

Submission:

Labcorp Genetics (formerly Invitae), Labcorp
Classification: Uncertain significance for Tumor predisposition syndrome 3. Last evaluated: 2023-06-20. Review status: criteria provided, single submitter. Criteria: Invitae Variant Classification Sherloc (09022015). Collection method: clinical testing. Allele origin: germline.
Comment: This sequence change falls in intron 5 of the POT1 gene. It does not directly change the encoded amino acid sequence of the POT1 protein. It affects a nucleotide within the consensus splice site. This variant is not present in population databases (gnomAD no frequency). In summary, the available evidence is currently insufficient to determine the role of this variant in disease. Therefore, it has been classified as a Variant of Uncertain Significance. Variants that disrupt the consensus splice site are a relatively common cause of aberrant splicing (PMID: 17576681, 9536098). Algorithms developed to predict the effect of sequence changes on RNA splicing suggest that this variant may disrupt the consensus splice site. This variant has not been reported in the literature in individuals affected with POT1-related conditions.

Literature cited by the submitters: PubMed 17576681; PubMed 9536098.